The following is an entry in ClinVar:

ClinVar aggregate classification (germline): Uncertain significance (1 of 4 stars; one submission).

Submission:

GeneDx
Classification: Uncertain significance. Last evaluated: 2024-02-04. Review status: criteria provided, single submitter. Criteria: GeneDx Variant Classification Process June 2021. Collection method: clinical testing. Allele origin: germline. Affected: yes.
Comment: Not observed at significant frequency in large population cohorts (gnomAD); In silico analysis supports that this missense variant has a deleterious effect on protein structure/function; Has not been previously published as pathogenic or benign to our knowledge

NM_057175.5(NAA15):c.1312G>T (p.Asp438Tyr)

Gene: NAA15 (N-alpha-acetyltransferase 15, NatA auxiliary subunit; plus strand). Cytogenetic location: 4q31.1.
Variant type: single nucleotide variant.
Coding change: c.1312G>T on transcript NM_057175.5 (MANE Select); coding-DNA position 1312, G replaced by T.
Protein change: p.Asp438Tyr; replaces aspartic acid 438 with tyrosine.
Molecular consequence: missense variant.
Genome position (GRCh38, 1-based): chr4:139,359,797, G>T. VCF-style: chr4-139359797-G-T. GRCh37 (hg19) VCF-style: chr4-140280951-G-T.
Other names: c.1312G>T, p.Asp438Tyr (NM_001410842.1); short protein forms D438Y.
Identifiers: ClinVar variation 3368667 (VCV003368667.1).